The following is an entry in ClinVar:

ClinVar aggregate classification (germline): Uncertain significance (1 of 4 stars; one submission).

Submission:

Clinical Genomics Laboratory, Laboratory for Precision Diagnostics, University of Washington
Classification: Uncertain significance. Last evaluated: 2017-07-28. Review status: criteria provided, single submitter. Criteria: Clinical Cytogenomics Laboratory Policy on CNV Interpretation. Collection method: clinical testing. Allele origin: unknown. Affected: yes. Observed: 1 variant allele.

GRCh37/hg19 4q32.2(chr4:163973796-164476240)x3

Genes: MARCHF1 (membrane associated ring-CH-type finger 1; minus strand), NAF1 (nuclear assembly factor 1 ribonucleoprotein; minus strand), NPY1R (neuropeptide Y receptor Y1; minus strand), NPY5R (neuropeptide Y receptor Y5; plus strand), TKTL2 (transketolase like 2; minus strand) and 1 more. Cytogenetic location: 4q32.2.
Variant type: copy number gain.
Change: copy number 3 (three copies instead of two) of chr4:163,973,796-164,476,240 (502.4 kb, GRCh37 coordinates, 1-based), cytogenetic band 4q32.2.
Identifiers: ClinVar variation 503590 (VCV000503590.3).